The following is an entry in ClinVar:

ClinVar aggregate classification (germline): Benign/Likely benign. Review status: criteria provided, multiple submitters, no conflicts (2 of 4 stars). 5 submissions from 5 submitters: Benign (3); Likely benign (2). Last evaluated 2026-01-02.

Conditions:
RYR1-related disorder. Also called: RYR1-related condition; RYR1-related disorders. Identifiers: MedGen CN239331.
Malignant hyperthermia, susceptibility to, 1 (MHS1). Also called: RYR1-Related Malignant Hyperthermia Susceptibility; Anesthesia related hyperthermia; Malignant hyperpyrexia; Fulminating hyperpyrexia; Pharmacogenic myopathy; Malignant hyperthermia suceptibility 1. Identifiers: Orphanet 423, MedGen C2930980, MONDO:0007783, OMIM 145600.

Allele frequency attached by ClinVar (database versions not stated): TOPMed 0.00002; 1000 Genomes Project 30x 0.00016; 1000 Genomes Project 0.00020; gnomAD exomes 0.00023 and 0.00061; ExAC 0.00047; gnomAD 0.00062 and 0.00067.
gnomAD v4.1: 432 of 1,614,158 alleles (0.027%); highest among the groups gnomAD compares: Middle Eastern, 0.017%; 1 homozygote.

Submissions (5):

Labcorp Genetics (formerly Invitae), Labcorp
Classification: Benign for RYR1-related disorder. Last evaluated: 2026-01-02. Review status: criteria provided, single submitter. Criteria: Invitae Variant Classification Sherloc (09022015). Collection method: clinical testing. Allele origin: germline.

Blueprint Genetics
Classification: Likely benign. Last evaluated: 2024-10-18. Review status: criteria provided, single submitter. Criteria: ACMG Guidelines, 2015. Collection method: clinical testing. Allele origin: germline.

All of Us Research Program, National Institutes of Health
Classification: Benign for Malignant hyperthermia, susceptibility to, 1. Last evaluated: 2023-11-20. Review status: criteria provided, single submitter. Criteria: ACMG Guidelines, 2015. Collection method: clinical testing. Allele origin: germline. Inheritance: Autosomal dominant inheritance. Observed: 5 variant alleles, 5 heterozygotes.
Comment: This study involves interpretation of variants in research participants for the purpose of population health screening. Participant phenotype was not available at the time of variant classification. Additional details can be found in publication PMID: 35346344, PMCID: PMC8962531

Color Diagnostics, LLC DBA Color Health
Classification: Benign for Malignant hyperthermia, susceptibility to, 1. Last evaluated: 2022-11-06. Review status: criteria provided, single submitter. Criteria: ACMG Guidelines, 2015. Collection method: clinical testing. Allele origin: germline.

PreventionGenetics, part of Exact Sciences
Classification: Likely benign. Review status: criteria provided, single submitter. Criteria: ACMG Guidelines, 2015. Collection method: clinical testing. Allele origin: germline.

NM_000540.3(RYR1):c.7020C>T (p.Phe2340=)

Gene: RYR1 (ryanodine receptor 1; plus strand). Cytogenetic location: 19q13.2.
Variant type: single nucleotide variant.
Coding change: c.7020C>T on transcript NM_000540.3 (MANE Select); coding-DNA position 7020, C replaced by T.
Protein change: p.Phe2340=; no amino-acid change (phenylalanine 2340 retained).
Molecular consequence: synonymous variant.
Genome position (GRCh38, 1-based): chr19:38,499,236, C>T. VCF-style: chr19-38499236-C-T. GRCh37 (hg19) VCF-style: chr19-38989876-C-T.
Other names: c.7020C>T, p.Phe2340= (NM_001042723.2).
Identifiers: ClinVar variation 256545 (VCV000256545.12), dbSNP rs199993301, ClinGen allele CA068967.
Genomic context (GRCh38, chr19:38,499,236, plus strand): 5'-CATTGGCTGGAACCCCTGTGGTGGAGAGCGCTACCTGGACTTCCTGCGCTTTGCTGTCTT[C>T]GTCAACGGTGAGGAGGGGGTGGCAGTGGCAGAGCGGGAAGTATGGAGTCACTGGTCACAC-3'
Protein context (NP_000531.2, residues 2330-2350): RYLDFLRFAV[Phe2340=]VNGESVEENA